The following is an entry in ClinVar:

NM_001291303.3(FAT4):c.2978C>T (p.Ser993Leu)

Gene: FAT4 (FAT atypical cadherin 4; plus strand). Cytogenetic location: 4q28.1.
Variant type: single nucleotide variant.
Coding change: c.2978C>T on transcript NM_001291303.3 (MANE Select); coding-DNA position 2978, C replaced by T.
Protein change: p.Ser993Leu; replaces serine 993 with leucine.
Molecular consequence: missense variant.
Genome position (GRCh38, 1-based): chr4:125,319,389, C>T. VCF-style: chr4-125319389-C-T. GRCh37 (hg19) VCF-style: chr4-126240544-C-T.
Other names: c.2978C>T, p.Ser993Leu (NM_001291285.3, NM_024582.6); short protein forms S993L.
Identifiers: ClinVar variation 2071987 (VCV002071987.4), dbSNP rs2530439674, ClinGen allele CA358121511.

ClinVar aggregate classification (germline): Uncertain significance (1 of 4 stars; one submission).

Submission:

Labcorp Genetics (formerly Invitae), Labcorp
Classification: Uncertain significance. Last evaluated: 2022-01-01. Review status: criteria provided, single submitter. Criteria: Invitae Variant Classification Sherloc (09022015). Collection method: clinical testing. Allele origin: germline.
Comment: In summary, the available evidence is currently insufficient to determine the role of this variant in disease. Therefore, it has been classified as a Variant of Uncertain Significance. Advanced modeling of protein sequence and biophysical properties (such as structural, functional, and spatial information, amino acid conservation, physicochemical variation, residue mobility, and thermodynamic stability) performed at Invitae indicates that this missense variant is not expected to disrupt FAT4 protein function. This variant has not been reported in the literature in individuals affected with FAT4-related conditions. This variant is not present in population databases (gnomAD no frequency). This sequence change replaces serine, which is neutral and polar, with leucine, which is neutral and non-polar, at codon 993 of the FAT4 protein (p.Ser993Leu).